The following is an entry in ClinVar:

NM_001292034.3(TAB2):c.1532T>A (p.Leu511Ter)

Genes: TAB2 (TGF-beta activated kinase 1 (MAP3K7) binding protein 2; plus strand), LOC126859827 (BRD4-independent group 4 enhancer GRCh37_chr6:149699707-149700906; plus strand). Cytogenetic location: 6q25.1.
Variant type: single nucleotide variant.
Coding change: c.1532T>A on transcript NM_001292034.3 (MANE Select); coding-DNA position 1532, T replaced by A.
Protein change: p.Leu511Ter; replaces leucine 511 with a stop codon.
Molecular consequence: nonsense.
Genome position (GRCh38, 1-based): chr6:149,379,447, T>A. VCF-style: chr6-149379447-T-A. GRCh37 (hg19) VCF-style: chr6-149700583-T-A.
Other names: c.1436T>A, p.Leu479Ter (NM_001292035.3); c.1532T>A, p.Leu511Ter (NM_001369506.1, NM_015093.6); short protein forms L479*, L511*.
Identifiers: ClinVar variation 4724564 (VCV004724564.1).

ClinVar aggregate classification (germline): Pathogenic (1 of 4 stars; one submission).

Submission:

Labcorp Genetics (formerly Invitae), Labcorp
Classification: Pathogenic. Last evaluated: 2025-07-31. Review status: criteria provided, single submitter. Criteria: Invitae Variant Classification Sherloc (09022015). Collection method: clinical testing. Allele origin: germline.
Comment: This sequence change creates a premature translational stop signal (p.Leu511*) in the TAB2 gene. It is expected to result in an absent or disrupted protein product. Loss-of-function variants in TAB2 are known to be pathogenic (PMID: 28386937, 31250519). This variant is not present in population databases (gnomAD no frequency). This variant has not been reported in the literature in individuals affected with TAB2-related conditions. For these reasons, this variant has been classified as Pathogenic.

Literature cited by the submitters: PubMed 28386937; PubMed 31250519.